The following is an entry in ClinVar:

ClinVar aggregate classification (germline): Uncertain significance (1 of 4 stars; one submission).

Conditions:
Inborn genetic diseases. Identifiers: MedGen C0950123, MeSH D030342.

Submission:

Ambry Genetics
Classification: Uncertain significance for Inborn genetic diseases. Last evaluated: 2024-10-11. Review status: criteria provided, single submitter. Criteria: Ambry Variant Classification Scheme 2023. Collection method: clinical testing. Allele origin: germline.
Comment: The p.V1780A variant (also known as c.5339T>C), located in coding exon 37 of the LRRK2 gene, results from a T to C substitution at nucleotide position 5339. The valine at codon 1780 is replaced by alanine, an amino acid with similar properties. This amino acid position is conserved. In addition, this alteration is predicted to be deleterious by in silico analysis. Based on the available evidence, the clinical significance of this variant remains unclear.

NM_198578.4(LRRK2):c.5339T>C (p.Val1780Ala)

Gene: LRRK2 (leucine rich repeat kinase 2; plus strand). Cytogenetic location: 12q12.
Variant type: single nucleotide variant.
Coding change: c.5339T>C on transcript NM_198578.4 (MANE Select); coding-DNA position 5339, T replaced by C.
Protein change: p.Val1780Ala; replaces valine 1780 with alanine.
Molecular consequence: missense variant.
Genome position (GRCh38, 1-based): chr12:40,322,340, T>C. VCF-style: chr12-40322340-T-C. GRCh37 (hg19) VCF-style: chr12-40716142-T-C.
Other names: short protein forms V1780A.
Identifiers: ClinVar variation 3540722 (VCV003540722.1).
Genomic context (GRCh38, chr12:40,322,340, plus strand): 5'-GTTTAGACAAGGTGTTGAGCTCTGTTTTGAATCATGTAGGCTGTATTCTTTTGGGCCAAG[T>C]TGTGGACCACATTGATTCTCTCATGGAAGAATGGTTTCCTGGGTTGCTGGAGATTGATAT-3'
Protein context (NP_940980.4, residues 1770-1790): CRKGCILLGQ[Val1780Ala]VDHIDSLMEE